The following is an entry in ClinVar:

ClinVar aggregate classification (germline): Conflicting classifications of pathogenicity. Review status: criteria provided, conflicting classifications (1 of 4 stars). 4 submissions from 4 submitters: Uncertain significance (1); Likely benign (2). 1 of the submissions does not count toward it. Last evaluated 2026-01-18.

Conditions:
COL6A3-related disorder. Also called: COL6A3-related condition; COL6A3-related disorders.
Bethlem myopathy 1A. Also called: MYOPATHY, BENIGN CONGENITAL, WITH CONTRACTURES; Bethlem myopathy 1; Bethlem Muscular Dystrophy. Identifiers: Orphanet 610, MedGen CN029274, MONDO:0024530, OMIM 158810.

Allele frequency attached by ClinVar (database versions not stated): gnomAD 0.00001 and 0.00003; gnomAD exomes 0.00003 and 0.00009; ExAC 0.00004; TOPMed 0.00004; 1000 Genomes Project 0.00020; 1000 Genomes Project 30x 0.00031.
gnomAD v4.1: 48 of 1,613,896 alleles (0.003%); highest among the groups gnomAD compares: Admixed American, 0.048%; 1 homozygote.

Submissions (4):

Labcorp Genetics (formerly Invitae), Labcorp
Classification: Likely benign for Bethlem myopathy 1A. Last evaluated: 2026-01-18. Review status: criteria provided, single submitter. Criteria: Invitae Variant Classification Sherloc (09022015). Collection method: clinical testing. Allele origin: germline.

Blueprint Genetics
Classification: Likely benign. Last evaluated: 2022-02-08. Review status: criteria provided, single submitter. Criteria: ACMG Guidelines, 2015. Collection method: clinical testing. Allele origin: germline.

Eurofins Ntd Llc (ga)
Classification: Uncertain significance. Last evaluated: 2016-03-01. Review status: criteria provided, single submitter. Criteria: EGL Classification Definitions 2015. Collection method: clinical testing. Allele origin: germline. Observed: 1 variant allele, 1 heterozygote.

PreventionGenetics, part of Exact Sciences
Classification: Likely benign for COL6A3-related condition. Last evaluated: 2022-12-05. Review status: no assertion criteria provided. Collection method: clinical testing. Allele origin: germline. Not counted in ClinVar's aggregate classification.
Comment: This variant is classified as likely benign based on ACMG/AMP sequence variant interpretation guidelines (Richards et al. 2015 PMID: 25741868, with internal and published modifications).

NM_004369.4(COL6A3):c.3198C>T (p.Arg1066=)

Gene: COL6A3 (collagen type VI alpha 3 chain; minus strand). Cytogenetic location: 2q37.3.
Variant type: single nucleotide variant.
Coding change: c.3198C>T on transcript NM_004369.4 (MANE Select); coding-DNA position 3198, C replaced by T.
Protein change: p.Arg1066=; no amino-acid change (arginine 1066 retained).
Molecular consequence: synonymous variant.
Genome position (GRCh38, 1-based): chr2:237,374,893, G>A on the plus strand (C>T on the coding strand, the complement: COL6A3 is on the minus strand). VCF-style: chr2-237374893-G-A. GRCh37 (hg19) VCF-style: chr2-238283536-G-A.
Other names: c.1977C>T, p.Arg659= (NM_057164.5); c.2580C>T, p.Arg860= (NM_057165.5, NM_057167.4); c.1377C>T, p.Arg459= (NM_057166.5).
Identifiers: ClinVar variation 286479 (VCV000286479.18), dbSNP rs200621867, ClinGen allele CA2189219.